The following is an entry in ClinVar:

ClinVar aggregate classification (germline): Likely pathogenic (1 of 4 stars; one submission).

Conditions:
Glycogen storage disease, type VII (GSD7). Also called: TARUI DISEASE; GSD VII; MUSCLE PHOSPHOFRUCTOKINASE DEFICIENCY; PFKM DEFICIENCY. Identifiers: Orphanet 371, MedGen C0017926, MONDO:0009295, OMIM 232800.

Submission:

Labcorp Genetics (formerly Invitae), Labcorp
Classification: Likely pathogenic for Glycogen storage disease, type VII. Last evaluated: 2023-11-07. Review status: criteria provided, single submitter. Criteria: Invitae Variant Classification Sherloc (09022015). Collection method: clinical testing. Allele origin: germline.
Comment: This variant results in the deletion of part of exon 21 (c.2047_2092+14del) of the PFKM gene. It is expected to disrupt RNA splicing. Variants that disrupt the donor or acceptor splice site typically lead to a loss of protein function (PMID: 16199547), and loss-of-function variants in PFKM are known to be pathogenic (PMID: 7825568, 8037209). This variant is not present in population databases (gnomAD no frequency). This variant has not been reported in the literature in individuals affected with PFKM-related conditions. In summary, the currently available evidence indicates that the variant is pathogenic, but additional data are needed to prove that conclusively. Therefore, this variant has been classified as Likely Pathogenic.

Literature cited by the submitters: PubMed 16199547; PubMed 7825568; PubMed 8037209.

NM_000289.6(PFKM):c.2047_2092+14del

Gene: PFKM (phosphofructokinase, muscle; plus strand). Cytogenetic location: 12q13.11.
Variant type: Deletion.
Coding change: c.2047_2092+14del on transcript NM_000289.6 (MANE Select); coding-DNA position 2047 through 14 bases into the intron after coding-DNA position 2092, 60 bases deleted.
Molecular consequence: splice donor variant.
Genome position (GRCh38, 1-based): chr12:48,145,085-48,145,144, 60 bases deleted. GRCh37 (hg19): chr12:48,538,868-48,538,927.
Other names: c.2071_2116+14del (NM_001354741.2); c.2047_2092+14del (NM_001354742.2, NM_001354743.2, NM_001354744.2 and 2 more transcripts); c.1897_1942+14del (NM_001354747.2, NM_001354748.2); c.2260_2305+14del (NM_001166686.2, NM_001354737.1, NM_001354739.1 and 1 more transcripts); c.2356_2401+14del (NM_001354736.1, NM_001354735.1); c.2191_2236+14del (NM_001354740.1); c.1960_2005+14del (NM_001354745.2); c.1921_1966+14del (NM_001354746.2); and 1 more.
Identifiers: ClinVar variation 2694018 (VCV002694018.3), dbSNP rs2498677983, ClinGen allele CA2697559257.